The following is an entry in ClinVar:

NM_000257.4(MYH7):c.4953G>T (p.Lys1651Asn)

Genes: MHRT (myosin heavy chain associated RNA transcript; plus strand), MYH7 (myosin heavy chain 7; minus strand), LOC126861897 (BRD4-independent group 4 enhancer GRCh37_chr14:23884455-23885654; plus strand). Cytogenetic location: 14q11.2.
Variant type: single nucleotide variant.
Coding change: c.4953G>T on transcript NM_000257.4 (MANE Select); coding-DNA position 4953, G replaced by T.
Protein change: p.Lys1651Asn; replaces lysine 1651 with asparagine.
Molecular consequence: missense variant. On other transcripts: non-coding transcript variant (1).
Genome position (GRCh38, 1-based): chr14:23,416,004, C>A on the plus strand (G>T on the coding strand, the complement: MYH7 is on the minus strand). VCF-style: chr14-23416004-C-A. GRCh37 (hg19) VCF-style: chr14-23885213-C-A.
Other names: short protein forms K1651N.
Identifiers: ClinVar variation 921220 (VCV000921220.3), dbSNP rs1892187995, ClinGen allele CA389037275.

ClinVar aggregate classification (germline): Uncertain significance (1 of 4 stars; one submission).

Conditions:
Cardiomyopathy (CMYO). Also called: Cardiomyopathies. Identifiers: Orphanet 167848, MedGen C0878544, MONDO:0004994, HP:0001638. Inheritance: Various modes of inheritance.

Submission:

Color Diagnostics, LLC DBA Color Health
Classification: Uncertain significance for Cardiomyopathy. Last evaluated: 2019-11-04. Review status: criteria provided, single submitter. Criteria: ACMG Guidelines, 2015. Collection method: clinical testing. Allele origin: germline.
Comment: This missense variant replaces lysine with asparagine at codon 1651 of the MYH7 protein. Computational prediction is inconclusive regarding the impact of this variant on protein structure and function (internally defined REVEL score threshold 0.5 < inconclusive < 0.7, PMID: 27666373). Splice site prediction tools suggest that this variant may impact RNA splicing. To our knowledge, functional studies have not been performed for this variant. This variant has not been reported in individuals affected with cardiovascular disorders in the literature. This variant has not been identified in the general population by the Genome Aggregation Database (gnomAD). The available evidence is insufficient to determine the role of this variant in disease conclusively. Therefore, this variant is classified as a Variant of Uncertain Significance.